The following is an entry in ClinVar:

ClinVar aggregate classification (germline): Pathogenic. Review status: criteria provided, multiple submitters, no conflicts (2 of 4 stars). 3 submissions from 3 submitters: Pathogenic (3). Last evaluated 2025-12-03.

Conditions:
Familial meningioma. Also called: Meningioma, familial, susceptibility to. Identifiers: Orphanet 263662, MedGen C3551915, MONDO:0011789, OMIM 607174.

Submissions (3):

Labcorp Genetics (formerly Invitae), Labcorp
Classification: Pathogenic for Familial meningioma. Last evaluated: 2025-12-03. Review status: criteria provided, single submitter. Criteria: Invitae Variant Classification Sherloc (09022015). Collection method: clinical testing. Allele origin: germline.
Comment: This sequence change creates a premature translational stop signal (p.Phe196Serfs*39) in the SMARCE1 gene. It is expected to result in an absent or disrupted protein product. Loss-of-function variants in SMARCE1 are known to be pathogenic (PMID: 23377182). This variant is not present in population databases (gnomAD no frequency). This premature translational stop signal has been observed in individual(s) with SMARCE1-related conditions (PMID: 33020650). ClinVar contains an entry for this variant (Variation ID: 2664741). For these reasons, this variant has been classified as Pathogenic.

Victorian Clinical Genetics Services, Murdoch Childrens Research Institute
Classification: Pathogenic for Familial meningioma. Last evaluated: 2023-12-21. Review status: criteria provided, single submitter. Criteria: ACMG Guidelines, 2015. Collection method: clinical testing. Allele origin: germline. Inheritance: Autosomal dominant inheritance. Affected: yes.
Comment: Based on the classification scheme VCGS_Germline_v1.3.4, this variant is classified as Pathogenic. Following criteria are met: 0103 - Loss of function and gain of function are known mechanisms of disease in this gene and are associated with susceptibility to familial meningioma (MIM#607174) and Coffin-Siris syndrome 5 (MIM#616938), respectively (PMIDs: 23556151, 26803492, 37164167). Dominant negative has also been reported for the latter (PMID: 23556151). (I) 0107 - This gene is associated with autosomal dominant disease. (I) 0201 - Variant is predicted to cause nonsense-mediated decay (NMD) and loss of protein (premature termination codon is located at least 54 nucleotides upstream of the final exon-exon junction). (SP) 0251 - This variant is heterozygous. (I) 0301 - Variant is absent from gnomAD (both v2 and v3). (SP) 0701 - Other premature termination variants comparable to the one identified in this case have very strong previous evidence for pathogenicity. Many germline NMD-predicted variants in this gene have been reported in families with clear cell meningioma (PMID: 37164167). These variants have also been reported as likely pathogenic/pathogenic in the context of familial meningioma or hereditary cancer-predisposing syndrome (ClinVar). (SP) 0803 - This variant has limited previous evidence of pathogenicity in an unrelated individual. It has been reported in a child with an unspecified cancer in the central nervous system (PMID: 33020650). (SP) 0905 - No published segregation evidence has been identified for this variant. (I) 1007 - No published functional evidence has been identified for this variant. (I) 1208 - Inheritance information for this variant is not currently available in this individual. (I) Legend: (SP) - Supporting pathogenic, (I) - Information, (SB) - Supporting benign

Genetics and Molecular Pathology, SA Pathology
Classification: Pathogenic for Familial meningioma. Last evaluated: 2022-11-24. Review status: criteria provided, single submitter. Criteria: ACMG Guidelines, 2015. Collection method: clinical testing. Allele origin: germline. Inheritance: Autosomal dominant inheritance. Affected: yes.
Comment: The SMARCE1 c.587del variant is classified as PATHOGENIC (PVS1, PM2, PP4) This SMARCE1 c.587del variant is located in exon 8/11 and is predicted to cause a shift in the reading frame at codon 196, leading to the introduction of a premature stop codon (PVS1). This variant is absent from population databases (PM2). The clinical features of this case are highly specific for the genes tested as part of this panel and this patient has a well-defined syndrome with little overlap with other clinical presentations (PP4). This variant has not been reported in dbSNP, ClinVar or HGMD.

Literature cited by the submitters: PubMed 23377182 (cited by Labcorp Genetics (formerly Invitae), Labcorp); PubMed 33020650 (cited by Labcorp Genetics (formerly Invitae), Labcorp and Victorian Clinical Genetics Services, Murdoch Childrens Research Institute); PubMed 23556151 (cited by Victorian Clinical Genetics Services, Murdoch Childrens Research Institute); PubMed 26803492 (cited by Victorian Clinical Genetics Services, Murdoch Childrens Research Institute); PubMed 37164167 (cited by Victorian Clinical Genetics Services, Murdoch Childrens Research Institute).

NM_003079.5(SMARCE1):c.587del (p.Phe196fs)

Gene: SMARCE1 (SWI/SNF related BAF chromatin remodeling complex subunit E1; minus strand). Cytogenetic location: 17q21.2.
Variant type: Deletion.
Coding change: c.587del on transcript NM_003079.5 (MANE Select); coding-DNA position 587, one base deleted (T; older notation c.587delT).
Protein change: p.Phe196fs; shifts the reading frame from phenylalanine 196.
Molecular consequence: frameshift variant.
Genome position (GRCh38, 1-based): chr17:40,632,322, A deleted on the plus strand (T on the coding strand, the reverse complement: SMARCE1 is on the minus strand); the first of 3 consecutive A bases (chr17:40,632,322-40,632,324); deleting any one gives the same sequence. VCF-style (leftmost placement, unchanged base first): chr17-40632321-GA-G. GRCh37 (hg19) VCF-style: chr17-38788573-GA-G.
Other names: c.587delT (NM_003079.4, NM_003079.5); short protein forms F196fs.
Identifiers: ClinVar variation 2664741 (VCV002664741.3), dbSNP rs2508598488, ClinGen allele CA2573332089.